The following is an entry in ClinVar:

NM_024649.5(BBS1):c.806A>G (p.Asn269Ser)

Genes: BBS1 (Bardet-Biedl syndrome 1; plus strand), ZDHHC24 (zDHHC palmitoyltransferase 24; minus strand). Cytogenetic location: 11q13.2.
Variant type: single nucleotide variant.
Coding change: c.806A>G on transcript NM_024649.5 (MANE Select); coding-DNA position 806, A replaced by G.
Protein change: p.Asn269Ser; replaces asparagine 269 with serine.
Molecular consequence: missense variant. On other transcripts: 3 prime UTR variant (1).
Genome position (GRCh38, 1-based): chr11:66,521,352, A>G. VCF-style: chr11-66521352-A-G. GRCh37 (hg19) VCF-style: chr11-66288823-A-G.
Other names: c.*136T>C (NM_001348571.2); short protein forms N269S.
Identifiers: ClinVar variation 3350419 (VCV003350419.3).
Genomic context (GRCh38, chr11:66,521,352, plus strand): 5'-TCTTCCTAGAGGTTTCTGGCCAGTTTGATGTTGAGTTCCGGCTTGCCGCGGCCTGCCGCA[A>G]TGGAAACATCTATATTCTGAGAAGGTAGCCACATCCGTGGTCTCCGGGGCCGGGAGGAAC-3'
Protein context (NP_078925.3, residues 259-279): VEFRLAAACR[Asn269Ser]GNIYILRRDS

ClinVar aggregate classification (germline): Uncertain significance. Review status: criteria provided, multiple submitters, no conflicts (2 of 4 stars). 2 submissions from 2 submitters: Uncertain significance (2). Last evaluated 2025-03-03.

Conditions:
BBS1-related disorder. Also called: BBS1-related condition.

gnomAD v4.1: 17 of 1,614,084 alleles (0.0011%); highest among the groups gnomAD compares: African/African-American, 0.0027%; no homozygotes.

Submissions (2):

PreventionGenetics, part of Exact Sciences
Classification: Uncertain significance for BBS1-related condition. Last evaluated: 2025-03-03. Review status: criteria provided, single submitter. Criteria: ACMG Guidelines, 2015. Collection method: clinical testing. Allele origin: germline.
Comment: The BBS1 c.806A>G variant is predicted to result in the amino acid substitution p.Asn269Ser. To our knowledge, this variant has not been reported in the literature. This variant is reported in 0.00088% of alleles in individuals of European (Non-Finnish) descent in gnomAD. At this time, the clinical significance of this variant is uncertain due to the absence of conclusive functional and genetic evidence.

Blueprint Genetics
Classification: Uncertain significance. Last evaluated: 2023-02-20. Review status: criteria provided, single submitter. Criteria: ACMG Guidelines, 2015. Collection method: clinical testing. Allele origin: germline.